The following is an entry in ClinVar:

NM_005428.4(VAV1):c.2060A>G (p.Asn687Ser)

Gene: VAV1 (vav guanine nucleotide exchange factor 1; plus strand). Cytogenetic location: 19p13.3.
Variant type: single nucleotide variant.
Coding change: c.2060A>G on transcript NM_005428.4 (MANE Select); coding-DNA position 2060, A replaced by G.
Protein change: p.Asn687Ser; replaces asparagine 687 with serine.
Molecular consequence: missense variant.
Genome position (GRCh38, 1-based): chr19:6,848,045, A>G. VCF-style: chr19-6848045-A-G. GRCh37 (hg19) VCF-style: chr19-6848056-A-G.
Other names: c.1994A>G, p.Asn665Ser (NM_001258206.2); c.1964A>G, p.Asn655Ser (NM_001258207.2); short protein forms N687S, N655S, N665S.
Identifiers: ClinVar variation 2991243 (VCV002991243.3), dbSNP rs1182028191, ClinGen allele CA403635209.

ClinVar aggregate classification (germline): Uncertain significance (1 of 4 stars; one submission).

Allele frequency attached by ClinVar (database versions not stated): gnomAD exomes below 0.00001.
gnomAD v4.1: 1 of 1,537,616 alleles (0.000065%); highest among the groups gnomAD compares: Non-Finnish European, 0.000087%; no homozygotes.

Submission:

Labcorp Genetics (formerly Invitae), Labcorp
Classification: Uncertain significance. Last evaluated: 2023-11-21. Review status: criteria provided, single submitter. Criteria: Invitae Variant Classification Sherloc (09022015). Collection method: clinical testing. Allele origin: germline.
Comment: This sequence change replaces asparagine, which is neutral and polar, with serine, which is neutral and polar, at codon 687 of the VAV1 protein (p.Asn687Ser). This variant is present in population databases (no rsID available, gnomAD 0.007%). This variant has not been reported in the literature in individuals affected with VAV1-related conditions. An algorithm developed to predict the effect of missense changes on protein structure and function (PolyPhen-2) suggests that this variant is likely to be tolerated. In summary, the available evidence is currently insufficient to determine the role of this variant in disease. Therefore, it has been classified as a Variant of Uncertain Significance.